The following is an entry in ClinVar:

ClinVar aggregate classification (germline): Uncertain significance. Review status: criteria provided, multiple submitters, no conflicts (2 of 4 stars). 2 submissions from 2 submitters: Uncertain significance (2). Last evaluated 2025-01-31.

Submissions (2):

GeneDx
Classification: Uncertain significance. Last evaluated: 2025-01-31. Review status: criteria provided, single submitter. Criteria: GeneDx Variant Classification Process June 2021. Collection method: clinical testing. Allele origin: germline. Affected: yes.
Comment: Not observed at significant frequency in large population cohorts (gnomAD); In silico analysis supports that this missense variant has a deleterious effect on protein structure/function; Has not been previously published as pathogenic or benign to our knowledge

Blueprint Genetics
Classification: Uncertain significance. Last evaluated: 2023-12-19. Review status: criteria provided, single submitter. Criteria: ACMG Guidelines, 2015. Collection method: clinical testing. Allele origin: germline.

NM_001128840.3(CACNA1D):c.1300G>T (p.Asp434Tyr)

Gene: CACNA1D (calcium voltage-gated channel subunit alpha1 D; plus strand). Cytogenetic location: 3p21.1.
Variant type: single nucleotide variant.
Coding change: c.1300G>T on transcript NM_001128840.3 (MANE Select); coding-DNA position 1300, G replaced by T.
Protein change: p.Asp434Tyr; replaces aspartic acid 434 with tyrosine.
Molecular consequence: missense variant.
Genome position (GRCh38, 1-based): chr3:53,702,720, G>T. VCF-style: chr3-53702720-G-T. GRCh37 (hg19) VCF-style: chr3-53736747-G-T.
Other names: c.1300G>T, p.Asp434Tyr (NM_000720.4, NM_001128839.3); short protein forms D434Y.
Identifiers: ClinVar variation 1695605 (VCV001695605.4), dbSNP rs2108590867, ClinGen allele CA353384417.